The following is an entry in ClinVar:

NM_001393504.1(MAST3):c.913A>G (p.Ile305Val)

Gene: MAST3 (microtubule associated serine/threonine kinase 3; plus strand). Cytogenetic location: 19p13.11.
Variant type: single nucleotide variant.
Coding change: c.913A>G on transcript NM_001393504.1 (MANE Select); coding-DNA position 913, A replaced by G.
Protein change: p.Ile305Val; replaces isoleucine 305 with valine.
Molecular consequence: missense variant.
Genome position (GRCh38, 1-based): chr19:18,124,334, A>G. VCF-style: chr19-18124334-A-G. GRCh37 (hg19) VCF-style: chr19-18235144-A-G.
Other names: c.937A>G, p.Ile313Val (NM_001393501.1); c.916A>G, p.Ile306Val (NM_001393502.1); c.913A>G, p.Ile305Val (NM_001393503.1); c.910A>G, p.Ile304Val (NM_001393505.1); c.865A>G, p.Ile289Val (NM_001393506.1, NM_001393513.1); c.892A>G, p.Ile298Val (NM_001393507.1); c.847A>G, p.Ile283Val (NM_001393508.1, NM_001393516.1); c.844A>G, p.Ile282Val (NM_001393509.1, NM_001393510.1, NM_001393512.1 and 2 more transcripts); and 4 more; short protein forms I267V, I275V, I276V, I281V, I282V, I283V, I289V, I298V.
Identifiers: ClinVar variation 3254810 (VCV003254810.1), dbSNP rs2512989027.

ClinVar aggregate classification (germline): Uncertain significance (1 of 4 stars; one submission).

Conditions:
Developmental and epileptic encephalopathy 108 (DEE108). Identifiers: MedGen C5774253, MONDO:0859314, OMIM 620115.

Allele frequency attached by ClinVar (database versions not stated): gnomAD exomes below 0.00001.
gnomAD v4.1: 3 of 1,608,992 alleles (0.00019%); highest among the groups gnomAD compares: Non-Finnish European, 0.00025%; no homozygotes.

Submission:

Victorian Clinical Genetics Services, Murdoch Childrens Research Institute
Classification: Uncertain significance for Developmental and epileptic encephalopathy 108. Last evaluated: 2023-07-17. Review status: criteria provided, single submitter. Criteria: ACMG Guidelines, 2015. Collection method: clinical testing. Allele origin: germline. Inheritance: Autosomal dominant inheritance. Affected: yes.
Comment: Based on the classification scheme VCGS_Germline_v1.3.4, this variant is classified as VUS-3B. Following criteria are met: 0101 - Gain of function is a known mechanism of disease in this gene and is associated with developmental and epileptic encephalopathy 108 (MIM# 620115) (PMID: 34185323). (I) 0107 - This gene is associated with autosomal dominant disease. (I) 0200 - Variant is predicted to result in a missense amino acid change from isoleucine to valine. (I) 0251 - This variant is heterozygous. (I) 0301 - Variant is absent from gnomAD (both v2 and v3). (SP) 0502 - Missense variant with conflicting in silico predictions and uninformative conservation. (I) 0600 - Variant is located in the annotated domain of unknown function (DECIPHER). (I) 0705 - No comparable missense variants have previous evidence for pathogenicity. (I) 0807 - This variant has no previous evidence of pathogenicity. (I) 0905 - No published segregation evidence has been identified for this variant. (I) 1007 - No published functional evidence has been identified for this variant. (I) 1208 - Inheritance information for this variant is not currently available in this individual. (I) Legend: (SP) - Supporting pathogenic, (I) - Information, (SB) - Supporting benign

Literature cited by the submitters: PubMed 34185323.